The following is an entry in ClinVar:

NM_001378120.1(MBD5):c.1627A>G (p.Thr543Ala)

Gene: MBD5 (methyl-CpG binding domain protein 5; plus strand). Cytogenetic location: 2q23.1.
Variant type: single nucleotide variant.
Coding change: c.1627A>G on transcript NM_001378120.1 (MANE Select); coding-DNA position 1627, A replaced by G.
Protein change: p.Thr543Ala; replaces threonine 543 with alanine.
Molecular consequence: missense variant.
Genome position (GRCh38, 1-based): chr2:148,469,570, A>G. VCF-style: chr2-148469570-A-G. GRCh37 (hg19) VCF-style: chr2-149227139-A-G.
Other names: c.1627A>G, p.Thr543Ala (NM_018328.5); short protein forms T543A.
Identifiers: ClinVar variation 2630768 (VCV002630768.1), dbSNP rs1414607857, ClinGen allele CA348720088.

ClinVar aggregate classification (germline): Uncertain significance (1 of 4 stars; one submission).

Conditions:
MBD5-related disorder. Also called: MBD5-related condition.

Allele frequency attached by ClinVar (database versions not stated): gnomAD 0.00001.
gnomAD v4.1: 2 of 1,613,728 alleles (0.00012%); highest among the groups gnomAD compares: Admixed American, 0.0017%; no homozygotes.

Submission:

PreventionGenetics, part of Exact Sciences
Classification: Uncertain significance for MBD5-related condition. Last evaluated: 2023-10-05. Review status: criteria provided, single submitter. Criteria: ACMG Guidelines, 2015. Collection method: clinical testing. Allele origin: germline.
Comment: The MBD5 c.1627A>G variant is predicted to result in the amino acid substitution p.Thr543Ala. To our knowledge, this variant has not been reported in the literature. This variant is reported in 2 of ~281,000 alleles in gnomAD. An alternate nucleotide change affecting the same amino acid (p.Thr543Ile) has been reported de novo in an individual with generalized epilepsy (Table S2, Jiang et al. 2021. PubMed ID: 34489640). At this time, the clinical significance of the c.1627A>G (p.Thr543Ala) variant is uncertain due to the absence of conclusive functional and genetic evidence.